The following is an entry in ClinVar:

ClinVar aggregate classification (germline): Uncertain significance. Review status: criteria provided, multiple submitters, no conflicts (2 of 4 stars). 2 submissions from 2 submitters: Uncertain significance (2). Last evaluated 2023-06-15.

Conditions:
Hereditary cancer-predisposing syndrome. Also called: Neoplastic Syndromes, Hereditary; Tumor predisposition; Hereditary neoplastic syndrome; Hereditary Cancer Syndrome. Identifiers: Orphanet 140162, MedGen C0027672, MeSH D009386, MONDO:0015356.
Cardiovascular phenotype. Identifiers: MedGen CN230736.
Juvenile myelomonocytic leukemia (JMML). Also called: LEUKEMIA, JUVENILE MYELOMONOCYTIC, SOMATIC. Identifiers: Orphanet 86834, MedGen C0349639, MONDO:0011908, OMIM 607785, HP:0012209.

Submissions (2):

Baylor Genetics
Classification: Uncertain significance for Juvenile myelomonocytic leukemia. Last evaluated: 2023-06-15. Review status: criteria provided, single submitter. Criteria: ACMG Guidelines, 2015. Collection method: clinical testing. Allele origin: unknown.

Ambry Genetics
Classification: Uncertain significance for Cardiovascular phenotype; Hereditary cancer-predisposing syndrome. Last evaluated: 2022-12-29. Review status: criteria provided, single submitter. Criteria: Ambry Variant Classification Scheme 2023. Collection method: clinical testing. Allele origin: germline.
Comment: The p.K1593R variant (also known as c.4778A>G), located in coding exon 36 of the NF1 gene, results from an A to G substitution at nucleotide position 4778. The lysine at codon 1593 is replaced by arginine, an amino acid with highly similar properties. This amino acid position is highly conserved in available vertebrate species. In addition, the in silico prediction for this alteration is inconclusive. Since supporting evidence is limited at this time, the clinical significance of this alteration remains unclear.

NM_001042492.3(NF1):c.4841A>G (p.Lys1614Arg)

Gene: NF1 (neurofibromin 1; plus strand). Cytogenetic location: 17q11.2.
Variant type: single nucleotide variant.
Coding change: c.4841A>G on transcript NM_001042492.3 (MANE Select); coding-DNA position 4841, A replaced by G.
Protein change: p.Lys1614Arg; replaces lysine 1614 with arginine.
Molecular consequence: missense variant.
Genome position (GRCh38, 1-based): chr17:31,325,825, A>G. VCF-style: chr17-31325825-A-G. GRCh37 (hg19) VCF-style: chr17-29652843-A-G.
Other names: c.4778A>G, p.Lys1593Arg (NM_000267.4); short protein forms K1614R, K1593R.
Identifiers: ClinVar variation 2452239 (VCV002452239.3), dbSNP rs2151537487, ClinGen allele CA399006887.